The following is an entry in ClinVar:

NM_052867.4(NALCN):c.5024-10_5024-7dup

Genes: NALCN-AS1 (NALCN antisense RNA 1; plus strand), NALCN (sodium leak channel, non-selective; minus strand). Cytogenetic location: 13q32.3.
Variant type: Duplication.
Coding change: c.5024-10_5024-7dup on transcript NM_052867.4 (MANE Select); 10 bases into the intron before coding-DNA position 5024 through 7 bases into the intron before coding-DNA position 5024, 4 bases duplicated (AATT; older notation c.5024-10_5024-7dupAATT).
Molecular consequence: intron variant.
Genome position (GRCh38, 1-based): chr13:101,055,495-101,055,498, AATT duplicated on the plus strand (AATT on the coding strand, the reverse complement: NALCN is on the minus strand); duplicating any 4 consecutive bases within chr13:101,055,495-101,055,501 gives the same sequence; the c. name uses the placement nearest the transcript's 3' end. VCF-style (leftmost placement, unchanged base first): chr13-101055494-G-GAATT. GRCh37 (hg19) VCF-style: chr13-101707846-G-GAATT.
Other names: c.4937-10_4937-7dup (NM_001350751.2, NM_001350750.2); c.5024-10_5024-7dup (NM_001350749.2, NM_052867.2); c.5111-10_5111-7dup (NM_001350748.2).
Identifiers: ClinVar variation 697435 (VCV000697435.12), dbSNP rs569363992, ClinGen allele CA7034929.

ClinVar aggregate classification (germline): Likely benign. Review status: criteria provided, multiple submitters, no conflicts (2 of 4 stars). 3 submissions from 3 submitters: Likely benign (2). 1 of the submissions does not count toward it. Last evaluated 2025-12-15.

Conditions:
NALCN-related disorder. Also called: NALCN-related disorders; NALCN-related condition.

Submissions (3):

Labcorp Genetics (formerly Invitae), Labcorp
Classification: Likely benign. Last evaluated: 2025-12-15. Review status: criteria provided, single submitter. Criteria: Invitae Variant Classification Sherloc (09022015). Collection method: clinical testing. Allele origin: germline.

GeneDx
Classification: Likely benign. Last evaluated: 2020-09-23. Review status: criteria provided, single submitter. Criteria: GeneDx Variant Classification Process June 2021. Collection method: clinical testing. Allele origin: germline. Affected: yes.

PreventionGenetics, part of Exact Sciences
Classification: Likely benign for NALCN-related condition. Last evaluated: 2019-10-17. Review status: no assertion criteria provided. Collection method: clinical testing. Allele origin: germline. Not counted in ClinVar's aggregate classification.
Comment: This variant is classified as likely benign based on ACMG/AMP sequence variant interpretation guidelines (Richards et al. 2015 PMID: 25741868, with internal and published modifications).